The following is an entry in ClinVar:

NM_005732.4(RAD50):c.2555T>A (p.Leu852His)

Gene: RAD50 (RAD50 double strand break repair protein; plus strand). Cytogenetic location: 5q31.1.
Variant type: single nucleotide variant.
Coding change: c.2555T>A on transcript NM_005732.4 (MANE Select); coding-DNA position 2555, T replaced by A.
Protein change: p.Leu852His; replaces leucine 852 with histidine.
Molecular consequence: missense variant.
Genome position (GRCh38, 1-based): chr5:132,604,836, T>A. VCF-style: chr5-132604836-T-A. GRCh37 (hg19) VCF-style: chr5-131940528-T-A.
Other names: short protein forms L852H.
Identifiers: ClinVar variation 1714966 (VCV001714966.6), dbSNP rs2479668120, ClinGen allele CA360956315.

ClinVar aggregate classification (germline): Uncertain significance (1 of 4 stars; one submission).

Conditions:
Hereditary cancer-predisposing syndrome. Also called: Neoplastic Syndromes, Hereditary; Tumor predisposition; Hereditary Cancer Syndrome; Hereditary neoplastic syndrome. Identifiers: Orphanet 140162, MedGen C0027672, MeSH D009386, MONDO:0015356.

Submission:

Labcorp Genetics (formerly Invitae), Labcorp
Classification: Uncertain significance for Hereditary cancer-predisposing syndrome. Last evaluated: 2022-08-03. Review status: criteria provided, single submitter. Criteria: Invitae Variant Classification Sherloc (09022015). Collection method: clinical testing. Allele origin: germline.
Comment: Algorithms developed to predict the effect of missense changes on protein structure and function (SIFT, PolyPhen-2, Align-GVGD) all suggest that this variant is likely to be tolerated. Algorithms developed to predict the effect of sequence changes on RNA splicing suggest that this variant may disrupt the consensus splice site. In summary, the available evidence is currently insufficient to determine the role of this variant in disease. Therefore, it has been classified as a Variant of Uncertain Significance. This sequence change replaces leucine, which is neutral and non-polar, with histidine, which is basic and polar, at codon 852 of the RAD50 protein (p.Leu852His). This variant is not present in population databases (gnomAD no frequency). This variant has not been reported in the literature in individuals affected with RAD50-related conditions.